The following is an entry in ClinVar:

NM_021729.6(VPS11):c.156C>T (p.Cys52=)

Gene: VPS11 (VPS11 core subunit of CORVET and HOPS complexes; plus strand). Cytogenetic location: 11q23.3.
Variant type: single nucleotide variant.
Coding change: c.156C>T on transcript NM_021729.6 (MANE Select); coding-DNA position 156, C replaced by T.
Protein change: p.Cys52=; no amino-acid change (cysteine 52 retained).
Molecular consequence: synonymous variant. On other transcripts: 5 prime UTR variant (1), non-coding transcript variant (8).
Genome position (GRCh38, 1-based): chr11:119,067,979, C>T. VCF-style: chr11-119067979-C-T. GRCh37 (hg19) VCF-style: chr11-118938690-C-T.
Other names: c.-90C>T (NM_001290185.2); c.156C>T, p.Cys52= (NM_001378218.1, NM_001378219.1, NM_001378220.1).
Identifiers: ClinVar variation 5039281 (VCV005039281.1).

ClinVar aggregate classification (germline): Likely benign (1 of 4 stars; one submission).

gnomAD v4.1: 1 of 1,612,092 alleles (0.000062%); highest among the groups gnomAD compares: Non-Finnish European, 0.000085%; no homozygotes.

Submission:

CeGaT Center for Human Genetics Tuebingen
Classification: Likely benign. Last evaluated: 2026-07-01. Review status: criteria provided, single submitter. Criteria: CeGaT Center For Human Genetics Tuebingen Variant Classification Criteria Version 2. Collection method: clinical testing. Allele origin: germline. Affected: yes. Observed: 1 variant allele.
Comment: VPS11: BP4, BP7